The following is an entry in ClinVar:

NM_020458.4(TTC7A):c.1331G>C (p.Arg444Pro)

Gene: TTC7A (tetratricopeptide repeat domain 7A; plus strand). Cytogenetic location: 2p21.
Variant type: single nucleotide variant.
Coding change: c.1331G>C on transcript NM_020458.4 (MANE Select); coding-DNA position 1331, G replaced by C.
Protein change: p.Arg444Pro; replaces arginine 444 with proline.
Molecular consequence: missense variant.
Genome position (GRCh38, 1-based): chr2:47,011,374, G>C. VCF-style: chr2-47011374-G-C. GRCh37 (hg19) VCF-style: chr2-47238513-G-C.
Other names: c.1331G>C, p.Arg444Pro (NM_001288951.2); c.1229G>C, p.Arg410Pro (NM_001288953.2); c.269G>C, p.Arg90Pro (NM_001288955.2); c.1331G>C (NM_020458.2); short protein forms R410P, R444P, R90P.
Identifiers: ClinVar variation 1487196 (VCV001487196.6), dbSNP rs764574982, ClinGen allele CA1647618.

ClinVar aggregate classification (germline): Uncertain significance. Review status: criteria provided, multiple submitters, no conflicts (2 of 4 stars). 2 submissions from 2 submitters: Uncertain significance (2). Last evaluated 2025-03-16.

Conditions:
Multiple gastrointestinal atresias. Also called: Multiple intestinal atresia; FAMILIAL INTESTINAL POLYATRESIA SYNDROME. Identifiers: Orphanet 2300, MedGen C0220744, MONDO:0009465.
Inborn genetic diseases. Identifiers: MedGen C0950123, MeSH D030342.

gnomAD v4.1: 6 of 1,612,538 alleles (0.00037%); highest among the groups gnomAD compares: South Asian, 0.0044%; no homozygotes.

Submissions (2):

Ambry Genetics
Classification: Uncertain significance for Inborn genetic diseases. Last evaluated: 2025-03-16. Review status: criteria provided, single submitter. Criteria: Ambry Variant Classification Scheme 2023. Collection method: clinical testing. Allele origin: germline.

Labcorp Genetics (formerly Invitae), Labcorp
Classification: Uncertain significance for Multiple gastrointestinal atresias. Last evaluated: 2021-11-10. Review status: criteria provided, single submitter. Criteria: Invitae Variant Classification Sherloc (09022015). Collection method: clinical testing. Allele origin: germline.
Comment: This sequence change replaces arginine, which is basic and polar, with proline, which is neutral and non-polar, at codon 444 of the TTC7A protein (p.Arg444Pro). This variant is present in population databases (rs764574982, gnomAD 0.003%). This variant has not been reported in the literature in individuals affected with TTC7A-related conditions. Algorithms developed to predict the effect of missense changes on protein structure and function are either unavailable or do not agree on the potential impact of this missense change (SIFT: "Tolerated"; PolyPhen-2: "Possibly Damaging"; Align-GVGD: "Class C0"). In summary, the available evidence is currently insufficient to determine the role of this variant in disease. Therefore, it has been classified as a Variant of Uncertain Significance.